The following is an entry in ClinVar:

NM_001127208.3(TET2):c.1927T>A (p.Ser643Thr)

Genes: TET2 (tet methylcytosine dioxygenase 2; plus strand), TET2-AS1 (TET2 antisense RNA 1; minus strand). Cytogenetic location: 4q24.
Variant type: single nucleotide variant.
Coding change: c.1927T>A on transcript NM_001127208.3 (MANE Select); coding-DNA position 1927, T replaced by A.
Protein change: p.Ser643Thr; replaces serine 643 with threonine.
Molecular consequence: missense variant.
Genome position (GRCh38, 1-based): chr4:105,235,869, T>A. VCF-style: chr4-105235869-T-A. GRCh37 (hg19) VCF-style: chr4-106157026-T-A.
Other names: c.1927T>A, p.Ser643Thr (NM_017628.4); short protein forms S643T.
Identifiers: ClinVar variation 4843477 (VCV004843477.1).

ClinVar aggregate classification (germline): Uncertain significance (1 of 4 stars; one submission).

Submission:

Ambry Genetics
Classification: Uncertain significance. Last evaluated: 2025-12-15. Review status: criteria provided, single submitter. Criteria: Ambry Variant Classification Scheme 2023. Collection method: clinical testing. Allele origin: germline.
Comment: The p.S643T variant (also known as c.1927T>A), located in coding exon 1 of the TET2 gene, results from a T to A substitution at nucleotide position 1927. The serine at codon 643 is replaced by threonine, an amino acid with similar properties. This amino acid position is conserved. In addition, this alteration is predicted to be tolerated by in silico analysis. Based on the available evidence, the clinical significance of this variant remains unclear.